The following is an entry in ClinVar:

NM_177438.3(DICER1):c.4559A>C (p.Glu1520Ala)

Gene: DICER1 (dicer 1, ribonuclease III; minus strand). Cytogenetic location: 14q32.13.
Variant type: single nucleotide variant.
Coding change: c.4559A>C on transcript NM_177438.3 (MANE Select); coding-DNA position 4559, A replaced by C.
Protein change: p.Glu1520Ala; replaces glutamic acid 1520 with alanine.
Molecular consequence: missense variant. On other transcripts: non-coding transcript variant (6).
Genome position (GRCh38, 1-based): chr14:95,096,361, T>G on the plus strand (A>C on the coding strand, the complement: DICER1 is on the minus strand). VCF-style: chr14-95096361-T-G. GRCh37 (hg19) VCF-style: chr14-95562698-T-G.
Other names: c.4154A>C, p.Glu1385Ala (NM_001395690.1, NM_001395696.1, NM_001395687.1 and 2 more transcripts); c.3992A>C, p.Glu1331Ala (NM_001395691.1); c.4559A>C, p.Glu1520Ala (NM_001395692.1, NM_001395693.1, NM_001395694.1 and 12 more transcripts); c.2876A>C, p.Glu959Ala (NM_001395697.1); c.4277A>C, p.Glu1426Ala (NM_001395686.1); short protein forms E1520A, E1426A, E959A, E1331A, E1385A.
Identifiers: ClinVar variation 3660472 (VCV003660472.2).

ClinVar aggregate classification (germline): Uncertain significance (1 of 4 stars; one submission).

Conditions:
DICER1-related tumor predisposition. Also called: DICER1-related pleuropulmonary blastoma cancer predisposition syndrome; DICER1 syndrome. Identifiers: Orphanet 284343, MedGen C3839822, MONDO:0100216.

Submission:

Labcorp Genetics (formerly Invitae), Labcorp
Classification: Uncertain significance for DICER1-related tumor predisposition. Last evaluated: 2024-07-24. Review status: criteria provided, single submitter. Criteria: Invitae Variant Classification Sherloc (09022015). Collection method: clinical testing. Allele origin: germline.
Comment: This sequence change replaces glutamic acid, which is acidic and polar, with alanine, which is neutral and non-polar, at codon 1520 of the DICER1 protein (p.Glu1520Ala). This variant is not present in population databases (gnomAD no frequency). This variant has not been reported in the literature in individuals affected with DICER1-related conditions. An algorithm developed to predict the effect of missense changes on protein structure and function (PolyPhen-2) suggests that this variant is likely to be disruptive. In summary, the available evidence is currently insufficient to determine the role of this variant in disease. Therefore, it has been classified as a Variant of Uncertain Significance.